The following is an entry in ClinVar:

ClinVar aggregate classification (germline): Pathogenic (1 of 4 stars; one submission).

Conditions:
Familial cancer of breast. Also called: hereditary breast carcinoma; BREAST CANCER, FAMILIAL; Hereditary breast cancer. Identifiers: Orphanet 227535, MedGen C0346153, MONDO:0016419, OMIM 114480. Disease mechanism: loss of function.

Submission:

Labcorp Genetics (formerly Invitae), Labcorp
Classification: Pathogenic for Familial cancer of breast. Last evaluated: 2022-03-08. Review status: criteria provided, single submitter. Criteria: Invitae Variant Classification Sherloc (09022015). Collection method: clinical testing. Allele origin: germline.
Comment: This variant has not been reported in the literature in individuals affected with PALB2-related conditions. This variant disrupts a region of the PALB2 protein in which other variant(s) (p.Tyr1183*) have been determined to be pathogenic (PMID: 17200668, 17200671, 21365267, 22241545, 26315354). This suggests that this is a clinically significant region of the protein, and that variants that disrupt it are likely to be disease-causing. For these reasons, this variant has been classified as Pathogenic. This variant is not present in population databases (gnomAD no frequency). This sequence change creates a premature translational stop signal (p.Thr1136Lysfs*27) in the PALB2 gene. While this is not anticipated to result in nonsense mediated decay, it is expected to disrupt the last 51 amino acid(s) of the PALB2 protein.

Literature cited by the submitters: PubMed 17200668; PubMed 17200671; PubMed 21365267; PubMed 22241545; PubMed 26315354.

NM_024675.4(PALB2):c.3407del (p.Thr1136fs)

Gene: PALB2 (partner and localizer of BRCA2; minus strand). Cytogenetic location: 16p12.2.
Variant type: Deletion.
Coding change: c.3407del on transcript NM_024675.4 (MANE Select); coding-DNA position 3407, one base deleted (C; older notation c.3407delC).
Protein change: p.Thr1136fs; shifts the reading frame from threonine 1136.
Molecular consequence: frameshift variant.
Genome position (GRCh38, 1-based): chr16:23,603,613, G deleted on the plus strand (C on the coding strand, the reverse complement: PALB2 is on the minus strand). VCF-style (leftmost placement, unchanged base first): chr16-23603612-TG-T. GRCh37 (hg19) VCF-style: chr16-23614933-TG-T.
Other names: c.3347delC, p.Thr1116Lysfs (NM_001407296.1); c.3335delC, p.Thr1112Lysfs (NM_001407297.1); c.3245delC, p.Thr1082Lysfs (NM_001407298.1); c.3170delC, p.Thr1057Lysfs (NM_001407299.1); c.3128delC, p.Thr1043Lysfs (NM_001407300.1); c.*42delC (NM_001407301.1, NM_001407302.1, NM_001407310.1 and 2 more transcripts); c.2522delC, p.Thr841Lysfs (NM_001407304.1, NM_001407305.1, NM_001407306.1); c.2360delC, p.Thr787Lysfs (NM_001407307.1); and 3 more; short protein forms T1136fs.
Identifiers: ClinVar variation 2107526 (VCV002107526.4), dbSNP rs2506197277, ClinGen allele CA2580091255.